The following is an entry in ClinVar:

NM_005751.5(AKAP9):c.10063A>G (p.Lys3355Glu)

Gene: AKAP9 (A-kinase anchoring protein 9; plus strand). Cytogenetic location: 7q21.2.
Variant type: single nucleotide variant.
Coding change: c.10063A>G on transcript NM_005751.5 (MANE Select); coding-DNA position 10063, A replaced by G.
Protein change: p.Lys3355Glu; replaces lysine 3355 with glutamic acid.
Molecular consequence: missense variant.
Genome position (GRCh38, 1-based): chr7:92,097,022, A>G. VCF-style: chr7-92097022-A-G. GRCh37 (hg19) VCF-style: chr7-91726336-A-G.
Other names: c.4708A>G, p.Lys1570Glu (NM_001379277.1); c.10039A>G, p.Lys3347Glu (NM_147185.3); short protein forms K1570E, K3355E, K3347E.
Identifiers: ClinVar variation 3000120 (VCV003000120.4), dbSNP rs2535300343, ClinGen allele CA368153174.

ClinVar aggregate classification (germline): Uncertain significance. Review status: criteria provided, multiple submitters, no conflicts (2 of 4 stars). 2 submissions from 2 submitters: Uncertain significance (2). Last evaluated 2025-10-02.

Conditions:
Cardiovascular phenotype. Identifiers: MedGen CN230736.
Long QT syndrome (LQTS). Identifiers: MedGen C0023976, MeSH D008133, MONDO:0002442. Disease mechanism: loss of function. Inheritance: Various modes of inheritance.

gnomAD v4.1: 1 of 1,614,230 alleles (0.000062%); highest among the groups gnomAD compares: Non-Finnish European, 0.000085%; no homozygotes.

Submissions (2):

Labcorp Genetics (formerly Invitae), Labcorp
Classification: Uncertain significance for Long QT syndrome. Last evaluated: 2025-10-02. Review status: criteria provided, single submitter. Criteria: Invitae Variant Classification Sherloc (09022015). Collection method: clinical testing. Allele origin: germline.
Comment: This sequence change replaces lysine, which is basic and polar, with glutamic acid, which is acidic and polar, at codon 3355 of the AKAP9 protein (p.Lys3355Glu). This variant is not present in population databases (gnomAD no frequency). This variant has not been reported in the literature in individuals affected with AKAP9-related conditions. ClinVar contains an entry for this variant (Variation ID: 3000120). An algorithm developed to predict the effect of missense changes on protein structure and function (PolyPhen-2) suggests that this variant is likely to be disruptive. In summary, the available evidence is currently insufficient to determine the role of this variant in disease. Therefore, it has been classified as a Variant of Uncertain Significance.

Ambry Genetics
Classification: Uncertain significance for Cardiovascular phenotype. Last evaluated: 2024-05-22. Review status: criteria provided, single submitter. Criteria: Ambry Variant Classification Scheme 2023. Collection method: clinical testing. Allele origin: germline.
Comment: The p.K3355E variant (also known as c.10063A>G), located in coding exon 41 of the AKAP9 gene, results from an A to G substitution at nucleotide position 10063. The lysine at codon 3355 is replaced by glutamic acid, an amino acid with similar properties. This amino acid position is conserved. In addition, this alteration is predicted to be tolerated by in silico analysis. Based on the available evidence, the clinical significance of this variant remains unclear.